The following is an entry in ClinVar:

ClinVar aggregate classification (germline): Uncertain significance (1 of 4 stars; one submission).

Conditions:
Hereditary sensory and autonomic neuropathy type 6. Also called: HSAN VI; Neuropathy, hereditary sensory and autonomic, type VI. Identifiers: Orphanet 314381, MedGen C3539003, MONDO:0013839, OMIM 614653.
Epidermolysis bullosa simplex 3, localized or generalized intermediate, with BP230 deficiency (EBS3). Also called: Epidermolysis bullosa simplex due to BP230 deficiency; Epidermolysis bullosa simplex, autosomal recessive 2. Identifiers: Orphanet 412181, MedGen C3809470, MONDO:0014180, OMIM 615425.

gnomAD v4.1: 2 of 1,614,188 alleles (0.00012%); no homozygotes.

Submission:

Labcorp Genetics (formerly Invitae), Labcorp
Classification: Uncertain significance for Epidermolysis bullosa simplex 3, localized or generalized intermediate, with BP230 deficiency; Hereditary sensory and autonomic neuropathy type 6. Last evaluated: 2025-01-23. Review status: criteria provided, single submitter. Criteria: Invitae Variant Classification Sherloc (09022015). Collection method: clinical testing. Allele origin: germline.
Comment: This sequence change replaces cysteine, which is neutral and slightly polar, with tryptophan, which is neutral and slightly polar, at codon 36 of the DST protein (p.Cys36Trp). This variant is present in population databases (no rsID available, gnomAD 0.01%). This variant has not been reported in the literature in individuals affected with DST-related conditions. An algorithm developed to predict the effect of missense changes on protein structure and function (PolyPhen-2) suggests that this variant is likely to be disruptive. In summary, the available evidence is currently insufficient to determine the role of this variant in disease. Therefore, it has been classified as a Variant of Uncertain Significance.

NM_001723.7(DST):c.108T>G (p.Cys36Trp)

Gene: DST (dystonin; minus strand). Cytogenetic location: 6p12.1.
Variant type: single nucleotide variant.
Coding change: c.108T>G on transcript NM_001723.7 (MANE Plus Clinical); coding-DNA position 108, T replaced by G.
Protein change: p.Cys36Trp; replaces cysteine 36 with tryptophan.
Molecular consequence: missense variant. On other transcripts: intron variant (9).
Genome position (GRCh38, 1-based): chr6:56,642,681, A>C on the plus strand (T>G on the coding strand, the complement: DST is on the minus strand). VCF-style: chr6-56642681-A-C. GRCh37 (hg19) VCF-style: chr6-56507479-A-C.
Other names: c.108T>G, p.Cys36Trp (NM_015548.5); c.1680-178T>G (NM_001144769.5); c.1779-178T>G (NM_001374722.1, NM_001374736.1); c.1806-178T>G (NM_001374734.1); c.1266-178T>G (NM_001144770.2); c.1146-178T>G (NM_001374730.1, NM_001386100.1, NM_183380.4 and 1 more transcripts); short protein forms C36W.
Identifiers: ClinVar variation 3747934 (VCV003747934.2).
Genomic context (GRCh38, chr6:56,642,681, plus strand): 5'-CCTGTGTCCATCAAAGGATTCACTGCCGAAGCTAATGCAAGAGTTGATCAGTGTTGGACC[A>C]CAATGAACCAAGAGAAGATTTTCATTTGAATCAAGACTGGTTCGAGTGCTGGTAGTGTTA-3'
Protein context (NP_001714.1, residues 26-46): DSNENLLLVH[Cys36Trp]GPTLINSCIS